The following is an entry in ClinVar:

NM_019098.5(CNGB3):c.1178+9T>C

Gene: CNGB3 (cyclic nucleotide gated channel subunit beta 3; minus strand). Cytogenetic location: 8q21.3.
Variant type: single nucleotide variant.
Coding change: c.1178+9T>C on transcript NM_019098.5 (MANE Select); 9 bases into the intron after coding-DNA position 1178, T replaced by C.
Molecular consequence: intron variant.
Genome position (GRCh38, 1-based): chr8:86,643,742, A>G on the plus strand (T>C on the coding strand, the complement: CNGB3 is on the minus strand). VCF-style: chr8-86643742-A-G. GRCh37 (hg19) VCF-style: chr8-87655970-A-G.
Identifiers: ClinVar variation 788061 (VCV000788061.17), dbSNP rs549858104, ClinGen allele CA4800139.
Genomic context (GRCh38, chr8:86,643,742, plus strand): 5'-ATAAATTCATACAATGAAACAGAATGTTAAAAATAATCAATAAAGGTTTCTTTCAAAATC[A>G]GAACTTACTCGTTTCCTTCCCCATCATACACCCATCTAGTAGTGCCAATTCCTTCATAGT-3'

ClinVar aggregate classification (germline): Conflicting classifications of pathogenicity. Review status: criteria provided, conflicting classifications (1 of 4 stars). 6 submissions from 5 submitters: Uncertain significance (2); Benign (1); Likely benign (2). 1 of the submissions does not count toward it. Last evaluated 2026-01-29.

Conditions:
Achromatopsia 3 (ACHM3). Also called: ACHROMATOPSIA WITH MYOPIA; PINGELAPESE BLINDNESS; TOTAL COLORBLINDNESS WITH MYOPIA; ROD MONOCHROMACY 1; ROD MONOCHROMATISM 1. Identifiers: Orphanet 49382, MedGen C1849792, MONDO:0009875, OMIM 262300.
CNGB3-related disorder. Also called: CNGB3-related disorders; CNGB3-related condition. Identifiers: MedGen CN239340.
Achromatopsia. Also called: Rod monochromatism. Identifiers: Orphanet 49382, MedGen C0152200, MONDO:0018852, HP:0011516.
Severe early-childhood-onset retinal dystrophy (STGD1). Also called: Stargardt macular dystrophy; Juvenile onset macular degeneration; Stargardt disease 1; MACULAR DYSTROPHY WITH FLECKS, TYPE 1; STGD. Identifiers: Orphanet 364055, Orphanet 827, MedGen C1855465, MeSH D000080362, MONDO:0009549, OMIM 248200.

Allele frequency attached by ClinVar (database versions not stated): gnomAD 0.00009 and below 0.00001; gnomAD exomes 0.00034 and 0.00018; 1000 Genomes Project 30x 0.00062; ExAC 0.00040; TOPMed 0.00002; 1000 Genomes Project 0.00080.
gnomAD v4.1: 271 of 1,604,870 alleles (0.017%); highest among the groups gnomAD compares: South Asian, 0.29%; 3 homozygotes.

Submissions (6):

Labcorp Genetics (formerly Invitae), Labcorp
Classification: Benign. Last evaluated: 2026-01-29. Review status: criteria provided, single submitter. Criteria: Invitae Variant Classification Sherloc (09022015). Collection method: clinical testing. Allele origin: germline.

PreventionGenetics, part of Exact Sciences
Classification: Likely benign for CNGB3-related condition. Last evaluated: 2025-03-13. Review status: criteria provided, single submitter. Criteria: ACMG Guidelines, 2015. Collection method: clinical testing. Allele origin: germline.
Comment: This variant is classified as likely benign based on ACMG/AMP sequence variant interpretation guidelines (Richards et al. 2015 PMID: 25741868, with internal and published modifications).

Blueprint Genetics
Classification: Likely benign. Last evaluated: 2024-11-06. Review status: criteria provided, single submitter. Criteria: ACMG Guidelines, 2015. Collection method: clinical testing. Allele origin: germline.

Illumina Laboratory Services, Illumina
Classification: Uncertain significance for Achromatopsia 3. Last evaluated: 2018-01-13. Review status: criteria provided, single submitter. Criteria: ICSL Variant Classification Criteria 13 December 2019. Collection method: clinical testing. Allele origin: germline.

Illumina Laboratory Services, Illumina
Classification: Uncertain significance for Severe early-childhood-onset retinal dystrophy. Last evaluated: 2018-01-13. Review status: criteria provided, single submitter. Criteria: ICSL Variant Classification Criteria 13 December 2019. Collection method: clinical testing. Allele origin: germline.

Natera, Inc.
Classification: Uncertain significance for Achromatopsia. Last evaluated: 2020-01-09. Review status: no assertion criteria provided. Collection method: clinical testing. Allele origin: germline. Not counted in ClinVar's aggregate classification.